The following is an entry in ClinVar:

ClinVar aggregate classification (germline): Uncertain significance (1 of 4 stars; one submission).

Conditions:
Epidermolysis bullosa simplex 5B, with muscular dystrophy (EBS5B). Also called: EPIDERMOLYSIS BULLOSA SIMPLEX AND LIMB-GIRDLE MUSCULAR DYSTROPHY; Epidermolysis bullosa simplex with muscular dystrophy. Identifiers: Orphanet 257, MedGen C2931072, MONDO:0009181, OMIM 226670.
Epidermolysis bullosa simplex, Ogna type (EBS5A). Also called: Pidermolysis bullosa simplex 5A, Ogna type; EPIDERMOLYSIS BULLOSA SIMPLEX 5A, OGNA TYPE. Identifiers: Orphanet 79401, MedGen C0432317, MONDO:0007555, OMIM 131950.
Epidermolysis bullosa simplex 5C, with pyloric atresia (EBS5C). Also called: Epidermolysis bullosa simplex with pyloric atresia; PLEC-Related Epidermolysis Bullosa with Pyloric Atresia; PLEC1-Related Epidermolysis Bullosa with Pyloric Atresia. Identifiers: Orphanet 158684, MedGen C2677349, MONDO:0012807, OMIM 612138.
Epidermolysis bullosa simplex with nail dystrophy (EBS5D). Identifiers: MedGen C4225309, MONDO:0014661, OMIM 616487.
Autosomal recessive limb-girdle muscular dystrophy type 2Q (LGMDR17). Also called: MUSCULAR DYSTROPHY, LIMB-GIRDLE, AUTOSOMAL RECESSIVE 17. Identifiers: Orphanet 254361, MedGen C3150989, MONDO:0013390, OMIM 613723.

Allele frequency attached by ClinVar (database versions not stated): gnomAD 0.00002; TOPMed 0.00003; gnomAD exomes 0.00006; ExAC 0.00008; ESP Exome Variant Server 0.00008.
gnomAD v4.1: 84 of 1,613,136 alleles (0.0052%); highest among the groups gnomAD compares: Non-Finnish European, 0.0066%; 1 homozygote.

Submission:

Labcorp Genetics (formerly Invitae), Labcorp
Classification: Uncertain significance for Autosomal recessive limb-girdle muscular dystrophy type 2Q; Epidermolysis bullosa simplex, Ogna type; Epidermolysis bullosa simplex with nail dystrophy; Epidermolysis bullosa simplex 5C, with pyloric atresia; Epidermolysis bullosa simplex 5B, with muscular dystrophy. Last evaluated: 2025-09-25. Review status: criteria provided, single submitter. Criteria: Invitae Variant Classification Sherloc (09022015). Collection method: clinical testing. Allele origin: germline.
Comment: This sequence change replaces arginine, which is basic and polar, with glutamine, which is neutral and polar, at codon 3485 of the PLEC protein (p.Arg3485Gln). This variant is present in population databases (rs200060348, gnomAD 0.01%). This variant has not been reported in the literature in individuals affected with PLEC-related conditions. ClinVar contains an entry for this variant (Variation ID: 934947). Invitae Evidence Modeling of protein sequence and biophysical properties (such as structural, functional, and spatial information, amino acid conservation, physicochemical variation, residue mobility, and thermodynamic stability) indicates that this missense variant is not expected to disrupt PLEC protein function with a negative predictive value of 80%. In summary, the available evidence is currently insufficient to determine the role of this variant in disease. Therefore, it has been classified as a Variant of Uncertain Significance.

NM_201384.3(PLEC):c.10373G>A (p.Arg3458Gln)

Gene: PLEC (plectin; minus strand). Cytogenetic location: 8q24.3.
Variant type: single nucleotide variant.
Coding change: c.10373G>A on transcript NM_201384.3 (MANE Select); coding-DNA position 10373, G replaced by A.
Protein change: p.Arg3458Gln; replaces arginine 3458 with glutamine.
Molecular consequence: missense variant.
Genome position (GRCh38, 1-based): chr8:143,919,448, C>T on the plus strand (G>A on the coding strand, the complement: PLEC is on the minus strand). VCF-style: chr8-143919448-C-T. GRCh37 (hg19) VCF-style: chr8-144993616-C-T.
Other names: c.10454G>A, p.Arg3485Gln (NM_000445.5); c.10331G>A, p.Arg3444Gln (NM_201378.4); c.10307G>A, p.Arg3436Gln (NM_201379.3); c.10784G>A, p.Arg3595Gln (NM_201380.4); c.10277G>A, p.Arg3426Gln (NM_201381.3); c.10373G>A, p.Arg3458Gln (NM_201382.4); c.10385G>A, p.Arg3462Gln (NM_201383.3); short protein forms R3436Q, R3485Q, R3595Q, R3458Q, R3426Q, R3444Q, R3462Q.
Identifiers: ClinVar variation 934947 (VCV000934947.8), dbSNP rs200060348, ClinGen allele CA4924674.